The following is an entry in ClinVar:

ClinVar aggregate classification (germline): Uncertain significance (1 of 4 stars; one submission).

Submission:

GeneDx
Classification: Uncertain significance. Last evaluated: 2024-03-22. Review status: criteria provided, single submitter. Criteria: GeneDx Variant Classification Process June 2021. Collection method: clinical testing. Allele origin: germline. Affected: yes.
Comment: Not observed at significant frequency in large population cohorts (gnomAD); In silico analysis supports that this missense variant has a deleterious effect on protein structure/function; Has not been previously published as pathogenic or benign to our knowledge; This variant is associated with the following publications: (PMID: 16053902)

NM_014795.4(ZEB2):c.3140G>A (p.Arg1047Lys)

Gene: ZEB2 (zinc finger E-box binding homeobox 2; minus strand). Cytogenetic location: 2q22.3.
Variant type: single nucleotide variant.
Coding change: c.3140G>A on transcript NM_014795.4 (MANE Select); coding-DNA position 3140, G replaced by A.
Protein change: p.Arg1047Lys; replaces arginine 1047 with lysine.
Molecular consequence: missense variant.
Genome position (GRCh38, 1-based): chr2:144,389,956, C>T on the plus strand (G>A on the coding strand, the complement: ZEB2 is on the minus strand). VCF-style: chr2-144389956-C-T. GRCh37 (hg19) VCF-style: chr2-145147523-C-T.
Other names: c.3068G>A, p.Arg1023Lys (NM_001171653.2); short protein forms R1023K, R1047K.
Identifiers: ClinVar variation 3371217 (VCV003371217.1).